The following is an entry in ClinVar:

ClinVar aggregate classification (germline): Uncertain significance (1 of 4 stars; one submission).

Conditions:
Mucopolysaccharidosis, MPS-III-D (MPS3D). Also called: N-ACETYLGLUCOSAMINE-6-SULFATASE DEFICIENCY; SANFILIPPO SYNDROME D; MPS III D; Mucopoly-saccharidosis type 3D; N-acetylglucosamine-6-sulfate sulfatase deficiency; MPS 3D. Identifiers: Orphanet 581, Orphanet 79272, MedGen C0086650, MONDO:0009658, OMIM 252940.

Allele frequency attached by ClinVar (database versions not stated): gnomAD exomes 0.00001.
gnomAD v4.1: 8 of 1,597,566 alleles (0.0005%); highest among the groups gnomAD compares: Non-Finnish European, 0.00069%; no homozygotes.

Submission:

Labcorp Genetics (formerly Invitae), Labcorp
Classification: Uncertain significance for Mucopolysaccharidosis, MPS-III-D. Last evaluated: 2022-04-16. Review status: criteria provided, single submitter. Criteria: Invitae Variant Classification Sherloc (09022015). Collection method: clinical testing. Allele origin: germline.
Comment: This sequence change replaces valine, which is neutral and non-polar, with glycine, which is neutral and non-polar, at codon 478 of the GNS protein (p.Val478Gly). This variant is present in population databases (no rsID available, gnomAD 0.002%). This variant has not been reported in the literature in individuals affected with GNS-related conditions. Algorithms developed to predict the effect of missense changes on protein structure and function are either unavailable or do not agree on the potential impact of this missense change (SIFT: "Deleterious"; PolyPhen-2: "Possibly Damaging"; Align-GVGD: "Class C0"). In summary, the available evidence is currently insufficient to determine the role of this variant in disease. Therefore, it has been classified as a Variant of Uncertain Significance.

NM_002076.4(GNS):c.1433T>G (p.Val478Gly)

Gene: GNS (glucosamine (N-acetyl)-6-sulfatase; minus strand). Cytogenetic location: 12q14.3.
Variant type: single nucleotide variant.
Coding change: c.1433T>G on transcript NM_002076.4 (MANE Select); coding-DNA position 1433, T replaced by G.
Protein change: p.Val478Gly; replaces valine 478 with glycine.
Molecular consequence: missense variant.
Genome position (GRCh38, 1-based): chr12:64,720,169, A>C on the plus strand (T>G on the coding strand, the complement: GNS is on the minus strand). VCF-style: chr12-64720169-A-C. GRCh37 (hg19) VCF-style: chr12-65113949-A-C.
Other names: short protein forms V478G.
Identifiers: ClinVar variation 1981270 (VCV001981270.1), dbSNP rs1411480640, ClinGen allele CA385601181.